The following is an entry in ClinVar:

ClinVar aggregate classification (germline): Benign (3 of 4 stars; one submission).

Conditions:
Breast-ovarian cancer, familial, susceptibility to, 2 (BROVCA2). Also called: BRCA2 Hereditary Breast and Ovarian Cancer. Identifiers: Orphanet 145, MedGen C2675520, MONDO:0012933, OMIM 612555. Disease mechanism: loss of function.

Allele frequency attached by ClinVar (database versions not stated): 1000 Genomes Project 0.00399; 1000 Genomes Project 30x 0.00437; gnomAD 0.00793; TOPMed 0.00896.
gnomAD v4.1: 1,261 of 152,228 alleles (0.83%); highest among the groups gnomAD compares: Middle Eastern, 1.4%; 11 homozygotes.

Submission:

Evidence-based Network for the Interpretation of Germline Mutant Alleles (ENIGMA)
Classification: Benign for Breast-ovarian cancer, familial, susceptibility to, 2. Last evaluated: 2016-09-28. Review status: reviewed by expert panel. Criteria: ENIGMA BRCA1/2 Classification Criteria (2015). Collection method: curation. Allele origin: germline.
Comment: Class 1 not pathogenic based on frequency >1% in an outbred sampleset. Frequency 0.013 (Admixed American/Latino), derived from 1000 genomes (2013-05-02).

NM_000059.4(BRCA2):c.682-559G>A

Gene: BRCA2 (BRCA2 DNA repair associated; plus strand). Cytogenetic location: 13q13.1.
Variant type: single nucleotide variant.
Coding change: c.682-559G>A on transcript NM_000059.4 (MANE Select); 559 bases into the intron before coding-DNA position 682, G replaced by A.
Molecular consequence: intron variant.
Genome position (GRCh38, 1-based): chr13:32,330,360, G>A. VCF-style: chr13-32330360-G-A. GRCh37 (hg19) VCF-style: chr13-32904497-G-A.
Identifiers: ClinVar variation 264948 (VCV000264948.1), dbSNP rs144864139, ClinGen allele CA10588087.
Genomic context (GRCh38, chr13:32,330,360, plus strand): 5'-AGCTCATATGTCTTTCTCCTTCACAATCTCACAGATAGATTTGTTCTTACCATAGATGTC[G>A]CAGTACAATTTTTTTCCTTTCCTTAAGTCGAGAACTTTCACTGTTTCAATTAAAGGAAGC-3'